The following is an entry in ClinVar:

NM_020461.4(TUBGCP6):c.3757G>T (p.Gly1253Trp)

Gene: TUBGCP6 (tubulin gamma complex component 6; minus strand). Cytogenetic location: 22q13.33.
Variant type: single nucleotide variant.
Coding change: c.3757G>T on transcript NM_020461.4 (MANE Select); coding-DNA position 3757, G replaced by T.
Protein change: p.Gly1253Trp; replaces glycine 1253 with tryptophan.
Molecular consequence: missense variant.
Genome position (GRCh38, 1-based): chr22:50,220,602, C>A on the plus strand (G>T on the coding strand, the complement: TUBGCP6 is on the minus strand). VCF-style: chr22-50220602-C-A. GRCh37 (hg19) VCF-style: chr22-50659031-C-A.
Other names: short protein forms G1253W.
Identifiers: ClinVar variation 1716457 (VCV001716457.5), dbSNP rs1361944388, ClinGen allele CA412178700.

ClinVar aggregate classification (germline): Uncertain significance (1 of 4 stars; one submission).

Submission:

Labcorp Genetics (formerly Invitae), Labcorp
Classification: Uncertain significance. Last evaluated: 2022-08-15. Review status: criteria provided, single submitter. Criteria: Invitae Variant Classification Sherloc (09022015). Collection method: clinical testing. Allele origin: germline.
Comment: In summary, the available evidence is currently insufficient to determine the role of this variant in disease. Therefore, it has been classified as a Variant of Uncertain Significance. Algorithms developed to predict the effect of missense changes on protein structure and function are either unavailable or do not agree on the potential impact of this missense change (SIFT: "Deleterious"; PolyPhen-2: "Probably Damaging"; Align-GVGD: "Class C0"). This variant has not been reported in the literature in individuals affected with TUBGCP6-related conditions. This variant is not present in population databases (gnomAD no frequency). This sequence change replaces glycine, which is neutral and non-polar, with tryptophan, which is neutral and slightly polar, at codon 1253 of the TUBGCP6 protein (p.Gly1253Trp).